The following is an entry in ClinVar:

ClinVar aggregate classification (germline): Uncertain significance (1 of 4 stars; one submission).

Conditions:
Autosomal dominant nonsyndromic hearing loss 65. Also called: Deafness, autosomal dominant 65; TBC1D24-Related Autosomal Dominant Nonsyndromic Hearing Loss (DFNA). Identifiers: Orphanet 90635, MedGen C3892048, MONDO:0014470, OMIM 616044.
Developmental and epileptic encephalopathy, 1 (DEE1). Also called: INFANTILE SPASM SYNDROME, X-LINKED 1; X-linked infantile spasms; West's syndrome; Tonic spasms with clustering, arrest of psychomotor development and hypsarrhythmia on EEG; X-Linked Infantile Spasm Syndrome; OHTAHARA SYNDROME, X-LINKED. Identifiers: MedGen C3463992, MONDO:0010632, OMIM 308350. Disease mechanism: loss of function.

Submission:

Labcorp Genetics (formerly Invitae), Labcorp
Classification: Uncertain significance for Developmental and epileptic encephalopathy, 1; Autosomal dominant nonsyndromic hearing loss 65. Last evaluated: 2024-01-02. Review status: criteria provided, single submitter. Criteria: Invitae Variant Classification Sherloc (09022015). Collection method: clinical testing. Allele origin: germline.
Comment: This sequence change replaces isoleucine, which is neutral and non-polar, with phenylalanine, which is neutral and non-polar, at codon 77 of the TBC1D24 protein (p.Ile77Phe). This variant is not present in population databases (gnomAD no frequency). This variant has not been reported in the literature in individuals affected with TBC1D24-related conditions. Advanced modeling of protein sequence and biophysical properties (such as structural, functional, and spatial information, amino acid conservation, physicochemical variation, residue mobility, and thermodynamic stability) performed at Invitae indicates that this missense variant is not expected to disrupt TBC1D24 protein function with a negative predictive value of 80%. In summary, the available evidence is currently insufficient to determine the role of this variant in disease. Therefore, it has been classified as a Variant of Uncertain Significance.

NM_001199107.2(TBC1D24):c.229A>T (p.Ile77Phe)

Gene: TBC1D24 (TBC1 domain family member 24; plus strand). Cytogenetic location: 16p13.3.
Variant type: single nucleotide variant.
Coding change: c.229A>T on transcript NM_001199107.2 (MANE Select); coding-DNA position 229, A replaced by T.
Protein change: p.Ile77Phe; replaces isoleucine 77 with phenylalanine.
Molecular consequence: missense variant.
Genome position (GRCh38, 1-based): chr16:2,496,377, A>T. VCF-style: chr16-2496377-A-T. GRCh37 (hg19) VCF-style: chr16-2546378-A-T.
Other names: c.229A>T, p.Ile77Phe (NM_020705.3); short protein forms I77F.
Identifiers: ClinVar variation 2940163 (VCV002940163.3), dbSNP rs1477642131, ClinGen allele CA394375090.